The following is an entry in ClinVar:

ClinVar aggregate classification (germline): Pathogenic/Likely pathogenic. Review status: criteria provided, multiple submitters, no conflicts (2 of 4 stars). 14 submissions from 14 submitters: Pathogenic (9); Likely pathogenic (1). 4 of the submissions do not count toward it. Last evaluated 2025-04-08.

Conditions:
DYNC1H1-related disorder. Also called: DYNC1H1-related condition; DYNC1H1-related disorders. Identifiers: MedGen CN381529.
Hereditary motor and sensory neuropathy. Identifiers: MedGen C0027888, MONDO:0015358.
Inborn genetic diseases. Identifiers: MedGen C0950123, MeSH D030342.
Autosomal dominant childhood-onset proximal spinal muscular atrophy without contractures. Also called: Spinal muscular atrophy, lower extremity-predominant 1, AD; SPINAL MUSCULAR ATROPHY, CHILDHOOD, PROXIMAL, AUTOSOMAL DOMINANT; KUGELBERG-WELANDER SYNDROME, AUTOSOMAL DOMINANT; SPINAL MUSCULAR ATROPHY, JUVENILE, PROXIMAL, AUTOSOMAL DOMINANT. Identifiers: Orphanet 209341, Orphanet 363447, MedGen C5780022, MONDO:0008026, OMIM 158600.
Cortical dysplasia, complex, with other brain malformations 13. Also called: Intellectual disability, autosomal dominant 13. Identifiers: MedGen C3281202, MONDO:0013805, OMIM 614563.
Charcot-Marie-Tooth disease axonal type 2O. Also called: CHARCOT-MARIE-TOOTH NEUROPATHY, AXONAL, TYPE 2O; CHARCOT-MARIE-TOOTH DISEASE, AXONAL, AUTOSOMAL DOMINANT, TYPE 2O; Charcot-Marie-Tooth Neuropathy Type 2O; Charcot-Marie-Tooth disease, axonal, type 20. Identifiers: Orphanet 284232, MedGen C3280220, MONDO:0013644, OMIM 614228.

Submissions (14):

Labcorp Genetics (formerly Invitae), Labcorp
Classification: Pathogenic for Charcot-Marie-Tooth disease axonal type 2O. Last evaluated: 2025-04-08. Review status: criteria provided, single submitter. Criteria: Invitae Variant Classification Sherloc (09022015). Collection method: clinical testing. Allele origin: germline.
Comment: This sequence change replaces arginine, which is basic and polar, with cysteine, which is neutral and slightly polar, at codon 598 of the DYNC1H1 protein (p.Arg598Cys). This variant is not present in population databases (gnomAD no frequency). This missense change has been observed in individual(s) with lower extremity-predominant spinal muscular atrophy (SMALED) (PMID: 25484024, 25497877, 25512093, 27549087, 28554554). In at least one individual the variant was observed to be de novo. It has also been observed to segregate with disease in related individuals. ClinVar contains an entry for this variant (Variation ID: 139652). Invitae Evidence Modeling of protein sequence and biophysical properties (such as structural, functional, and spatial information, amino acid conservation, physicochemical variation, residue mobility, and thermodynamic stability) indicates that this missense variant is expected to disrupt DYNC1H1 protein function with a positive predictive value of 95%. For these reasons, this variant has been classified as Pathogenic.

GeneDx
Classification: Pathogenic. Last evaluated: 2024-02-23. Review status: criteria provided, single submitter. Criteria: GeneDx Variant Classification Process June 2021. Collection method: clinical testing. Allele origin: germline. Affected: yes.
Comment: Published functional studies demonstrate a damaging effect (results in a protein that shows increased binding to the BICD2 adaptor as compared to wild type) (PMID: 25512093); Not observed in large population cohorts (gnomAD); This variant is associated with the following publications: (PMID: 28554554, 25484024, 25512093, 26100331, 27549087, 36720598, 37337091, 35899263, 34535505, 35468861, 25497877, 37470033, 31618753, 31130284, 33060286, 34758253, 25609763)

Victorian Clinical Genetics Services, Murdoch Childrens Research Institute
Classification: Pathogenic for Autosomal dominant childhood-onset proximal spinal muscular atrophy without contractures. Last evaluated: 2021-05-06. Review status: criteria provided, single submitter. Criteria: ACMG Guidelines, 2015. Collection method: clinical testing. Allele origin: germline. Inheritance: Autosomal dominant inheritance.
Comment: Based on the classification scheme VCGS_Germline_v1.3.4, this variant is classified as Pathogenic. Following criteria are met: 0103 - Loss of function and gain of function are known mechanisms of disease in this gene and are associated with spinal muscular atrophy, lower extremity-predominant 1 (MIM#158600), intellectual disability (MIM#614563) and Charcot-Marie-Tooth disease, axonal, type 20 (MIM#614228). While there is no clear genotype-phenotype correlation, there is some association between the severity of the variant on protein function and the phenotype that is manifested (PMID: 25512093, PMID: 28196890). (I) 0107 - This gene is associated with autosomal dominant disease. (I) 0115 - Variants in this gene are known to have variable expressivity (PMID: 25512093). (I) 0200 - Variant is predicted to result in a missense amino acid change from arginine to cysteine. (I) 0251 - This variant is heterozygous. (I) 0301 - Variant is absent from gnomAD (both v2 and v3). (SP) 0501 - Missense variant consistently predicted to be damaging by multiple in silico tools or highly conserved with a major amino acid change. (SP) 0603 - Missense variant in a region that is highly intolerant to missense variation (high constraint region in DECIPHER). (SP) 0801 - This variant has strong previous evidence of pathogenicity in unrelated individuals. This variant has been reported multiple times as pathogenic. It has been shown to segregate within families, and arise de novo, in individuals with spinal muscular atrophy or spinal muscular atrophy with lower extremity predominant (ClinVar, PMID: 25512093, PMID: 28554554). (SP) 1001 - This variant has strong functional evidence supporting abnormal protein function. Functional analysis of patient lymphoblasts indicated an increased binding in adaptor protein BICD2 (PMID: 25512093). (SP) 1208 - Inheritance information for this variant is not currently available in this individual. (I) Legend: (SP) - Supporting pathogenic, (I) - Information, (SB) - Supporting benign

HudsonAlpha Institute for Biotechnology
Classification: Pathogenic for Autosomal dominant childhood-onset proximal spinal muscular atrophy without contractures. Last evaluated: 2019-08-02. Review status: criteria provided, single submitter. Criteria: ACMG Guidelines, 2015. Collection method: research. Allele origin: unknown. Affected: yes. Observed: 1 variant allele. Study: HudsonAlpha-PGEN.

Fulgent Genetics
Classification: Pathogenic for Autosomal dominant childhood-onset proximal spinal muscular atrophy without contractures; Charcot-Marie-Tooth disease axonal type 2O; Cortical dysplasia, complex, with other brain malformations 13. Last evaluated: 2018-10-31. Review status: criteria provided, single submitter. Criteria: ACMG Guidelines, 2015. Collection method: clinical testing. Allele origin: unknown.

SIB Swiss Institute of Bioinformatics
Classification: Likely pathogenic for Charcot-Marie-Tooth disease axonal type 2O. Last evaluated: 2018-10-15. Review status: criteria provided, single submitter. Criteria: ACMG Guidelines, 2015. Collection method: curation. Allele origin: germline.
Comment: This variant is interpreted as Likely Pathogenic, for Charcot-Marie-Tooth disease axonal type 20, autosomal dominant. The following ACMG Tag(s) were applied: PM2 => Absent from controls (or at extremely low frequency if recessive) in Exome Sequencing Project, 1000 Genomes Project, or Exome Aggregation Consortium. PP1 => Cosegregation with disease in multiple affected family members in a gene definitively known to cause the disease. PS3-Moderate => PS3 downgraded in strength to Moderate (PubMed 25512093). PP3 => Multiple lines of computational evidence support a deleterious effect on the gene or gene product.

Blueprint Genetics
Classification: Pathogenic for DYNC1H1-related disorders. Last evaluated: 2017-10-25. Review status: criteria provided, single submitter. Criteria: ACMG Guidelines, 2015. Collection method: clinical testing. Allele origin: germline. Affected: yes. Observed: 1 variant allele.

Eurofins Ntd Llc (ga)
Classification: Pathogenic. Last evaluated: 2017-05-01. Review status: criteria provided, single submitter. Criteria: EGL Classification Definitions 2015. Collection method: clinical testing. Allele origin: germline. Observed: 1 variant allele, 1 heterozygote.

Ambry Genetics
Classification: Pathogenic for Inborn genetic diseases. Last evaluated: 2015-10-28. Review status: criteria provided, single submitter. Criteria: Ambry exome assertion method (8-5-2015). Collection method: clinical testing. Allele origin: germline. Affected: yes. Observed: 1 variant allele.

Molecular Neurogenomics lab, VIB Department of Molecular Genetics; University of Antwerp
Classification: Pathogenic for Hereditary motor and sensory neuropathy. Last evaluated: 2013-11-20. Review status: criteria provided, single submitter. Criteria: Submitter's publication. Collection method: research. Allele origin: germline. Inheritance: Autosomal dominant inheritance. Affected: yes. Observed: 5 variant alleles, 5 heterozygotes.
Comment: segregates with the phenotype; absent in 179 ethnically matched controls

Département de Neurologie, Hospices Civils de Lyon
Classification: Likely pathogenic for Autosomal dominant childhood-onset proximal spinal muscular atrophy without contractures. Last evaluated: 2023-02-24. Review status: no assertion criteria provided. Collection method: clinical testing. Allele origin: maternal. Inheritance: Autosomal dominant inheritance. Affected: yes. Not counted in ClinVar's aggregate classification.

Inherited Neuropathy Consortium Ii, University Of Miami
Classification: Uncertain significance for Charcot-Marie-Tooth disease axonal type 2O. Last evaluated: 2016-01-06. Review status: no assertion criteria provided. Collection method: literature only. Allele origin: germline. Affected: yes. Not counted in ClinVar's aggregate classification.

Center for Genetic Medicine Research, Children's National Medical Center
Classification: Likely pathogenic for Spinal muscular atrophy, lower extremity predominant 1, autosomal dominant. Last evaluated: 2014-06-10. Review status: no assertion criteria provided. Collection method: research. Allele origin: de novo. Affected: yes. Observed: 1 variant allele. Not counted in ClinVar's aggregate classification.
Comment: DYNC1H1 variant was confirmed via Sanger sequencing.

Genomics England Pilot Project, Genomics England
Classification: Likely pathogenic for Charcot-Marie-Tooth disease axonal type 2O. Review status: no assertion criteria provided. Criteria: ACGS Guidelines, 2016. Collection method: clinical testing. Allele origin: germline. Affected: yes. Not counted in ClinVar's aggregate classification.

Literature cited by the submitters: PubMed 25484024 (cited by 3 submitters); PubMed 25497877 (cited by Labcorp Genetics (formerly Invitae), Labcorp); PubMed 25512093 (cited by 4 submitters); PubMed 27549087 (cited by Labcorp Genetics (formerly Invitae), Labcorp); PubMed 28554554 (cited by Labcorp Genetics (formerly Invitae), Labcorp and Victorian Clinical Genetics Services, Murdoch Childrens Research Institute); PubMed 28196890 (cited by Victorian Clinical Genetics Services, Murdoch Childrens Research Institute); PubMed 26100331 (cited by Ambry Genetics); PubMed 10862709 (cited by Ambry Genetics); PubMed 23664119 (cited by Ambry Genetics).

NM_001376.5(DYNC1H1):c.1792C>T (p.Arg598Cys)

Gene: DYNC1H1 (dynein cytoplasmic 1 heavy chain 1; plus strand). Cytogenetic location: 14q32.31.
Variant type: single nucleotide variant.
Coding change: c.1792C>T on transcript NM_001376.5 (MANE Select); coding-DNA position 1792, C replaced by T.
Protein change: p.Arg598Cys; replaces arginine 598 with cysteine.
Molecular consequence: missense variant.
Genome position (GRCh38, 1-based): chr14:101,986,017, C>T. VCF-style: chr14-101986017-C-T. GRCh37 (hg19) VCF-style: chr14-102452354-C-T.
Other names: short protein forms R598C.
Identifiers: ClinVar variation 139652 (VCV000139652.50), dbSNP rs587780564, ClinGen allele CA174988.